The following is an entry in ClinVar:

Single allele

Variant type: Deletion.
Identifiers: ClinVar variation 156859 (VCV000156859.2).

ClinVar aggregate classification (germline): not provided (0 of 4 stars; one submission).

Conditions:
Preeclampsia. Identifiers: Orphanet 275555, MedGen C0032914, MONDO:0005081, HP:0100602.

Submission:

Institute of Molecular and Cell Biology, University of Tartu
No classification provided. Condition: Preeclampsia. Review status: no classification provided. Collection method: case-control. Allele origin: unknown. Affected: yes. Study: Kasak2014.
Comment: The study aimed to determine the contribution of copy number variants in the genetic etiology of normal and complicated pregnancies. The samples represented (i) maternal blood DNA drawn from healthy pregnant women during 1st or 2nd trimester and (ii) maternal and paternal blood DNA drawn at term pregnancy cases representing normal and complicated gestations (severe preeclampsia, PE; gestational diabetes, GD; small-for-gestational age newborn, SGA; large-for-gestational age newborn, LGA). We performed CNV calling based on genome-wide genotyping dataset (Illumina HumanOmniExpress-24-v1 BeadChip) by applying three algorithms, QuantiSNP, GADA (Genome Alteration Detection Algorithm) and CNstream in parallel. The acquired CNV calls were merged with HD-CNV (Hotspot Detector for Copy Number Variants) program and only the CNVs predicted by at least two programs, were considered in subsequent analysis.

Literature cited by the submitters: PubMed 25666259.